The following is an entry in ClinVar:

NM_213647.3(FGFR4):c.407C>T (p.Pro136Leu)

Gene: FGFR4 (fibroblast growth factor receptor 4; plus strand). Cytogenetic location: 5q35.2.
Variant type: single nucleotide variant.
Coding change: c.407C>T on transcript NM_213647.3 (MANE Select); coding-DNA position 407, C replaced by T.
Protein change: p.Pro136Leu; replaces proline 136 with leucine.
Molecular consequence: missense variant.
Genome position (GRCh38, 1-based): chr5:177,090,796, C>T. VCF-style: chr5-177090796-C-T. GRCh37 (hg19) VCF-style: chr5-176517797-C-T.
Other names: c.407C>T, p.Pro136Leu (NM_001291980.2, NM_001354984.2, NM_002011.5 and 1 more transcripts); c.407C>T (NM_002011.4); short protein forms P136L.
Identifiers: ClinVar variation 1679938 (VCV001679938.3), dbSNP rs376618, ClinGen allele CA3575987.

ClinVar aggregate classification (germline): Likely benign. Review status: criteria provided, single submitter (1 of 4 stars). 2 submissions from 2 submitters: Likely benign (1). 1 of the submissions does not count toward it. Last evaluated 2021-10-01.

Conditions:
Classic Hodgkin lymphoma (CHL). Also called: Hodgkin lymphoma. Identifiers: Orphanet 391, MedGen C0019829, MONDO:0009348, OMIM 236000, HP:0012189.
FGFR4-related disorder. Also called: FGFR4-related condition.

Allele frequency attached by ClinVar (database versions not stated): ESP Exome Variant Server 0.72105; gnomAD 0.73741 and 0.74693; TOPMed 0.73889; gnomAD exomes 0.77216 and 0.80060; ExAC 0.79499; 1000 Genomes Project 30x 0.80184; 1000 Genomes Project 0.80731.
gnomAD v4.1: 1,242,326 of 1,613,588 alleles (77%); highest among the groups gnomAD compares: East Asian, 100%; 481,410 homozygotes.

Submissions (2):

Pathology Department, Puerta del Mar University Hospital
Classification: Likely benign for Classic Hodgkin lymphoma. Last evaluated: 2021-10-01. Review status: criteria provided, single submitter. Criteria: PMID: 32934698. Collection method: research. Allele origin: somatic. Affected: yes.

PreventionGenetics, part of Exact Sciences
Classification: Benign for FGFR4-related condition. Last evaluated: 2019-10-17. Review status: no assertion criteria provided. Collection method: clinical testing. Allele origin: germline. Not counted in ClinVar's aggregate classification.
Comment: This variant is classified as benign based on ACMG/AMP sequence variant interpretation guidelines (Richards et al. 2015 PMID: 25741868, with internal and published modifications).